The following is an entry in ClinVar:

NM_000059.4(BRCA2):c.2963A>G (p.Asp988Gly)

Gene: BRCA2 (BRCA2 DNA repair associated; plus strand). Cytogenetic location: 13q13.1.
Variant type: single nucleotide variant.
Coding change: c.2963A>G on transcript NM_000059.4 (MANE Select); coding-DNA position 2963, A replaced by G.
Protein change: p.Asp988Gly; replaces aspartic acid 988 with glycine.
Molecular consequence: missense variant.
Genome position (GRCh38, 1-based): chr13:32,337,318, A>G. VCF-style: chr13-32337318-A-G. GRCh37 (hg19) VCF-style: chr13-32911455-A-G.
Other names: short protein forms D988G.
Identifiers: ClinVar variation 419600 (VCV000419600.16), dbSNP rs876659509, ClinGen allele CA16619679.
Genomic context (GRCh38, chr13:32,337,318, plus strand): 5'-GTCAAGATTTAAAATCGGACATCTCCTTGAATATAGATAAAATACCAGAAAAAAATAATG[A>G]TTACATGAACAAATGGGCAGGACTCTTAGGTCCAATTTCAAATCACAGTTTTGGAGGTAG-3'
Protein context (NP_000050.3, residues 978-998): NIDKIPEKNN[Asp988Gly]YMNKWAGLLG

ClinVar aggregate classification (germline): Conflicting classifications of pathogenicity. Review status: criteria provided, conflicting classifications (1 of 4 stars). 4 submissions from 4 submitters: Uncertain significance (3); Likely benign (1). Last evaluated 2024-06-27.

Conditions:
Hereditary breast ovarian cancer syndrome. Also called: Hereditary breast and ovarian cancer; Hereditary breast and/or ovarian cancer syndrome; Hereditary breast and ovarian cancer syndrome; Hereditary breast and ovarian cancer syndrome (HBOC); Breast and ovarian cancer; BRCA1- and BRCA2-Associated Hereditary Breast and Ovarian Cancer. Identifiers: Orphanet 145, MedGen C0677776, MeSH D061325, MONDO:0003582. Disease mechanism: loss of function.
Hereditary cancer-predisposing syndrome. Also called: Hereditary neoplastic syndrome; Tumor predisposition; Neoplastic Syndromes, Hereditary; Hereditary Cancer Syndrome. Identifiers: Orphanet 140162, MedGen C0027672, MeSH D009386, MONDO:0015356.

gnomAD v4.1: 1 of 1,613,486 alleles (0.000062%); highest among the groups gnomAD compares: Admixed American, 0.0017%; no homozygotes.

Submissions (4):

Labcorp Genetics (formerly Invitae), Labcorp
Classification: Uncertain significance for Hereditary breast ovarian cancer syndrome. Last evaluated: 2024-06-27. Review status: criteria provided, single submitter. Criteria: Invitae Variant Classification Sherloc (09022015). Collection method: clinical testing. Allele origin: germline.
Comment: This sequence change replaces aspartic acid, which is acidic and polar, with glycine, which is neutral and non-polar, at codon 988 of the BRCA2 protein (p.Asp988Gly). This variant is present in population databases (no rsID available, gnomAD 0.003%). This variant has not been reported in the literature in individuals affected with BRCA2-related conditions. ClinVar contains an entry for this variant (Variation ID: 419600). Advanced modeling of protein sequence and biophysical properties (such as structural, functional, and spatial information, amino acid conservation, physicochemical variation, residue mobility, and thermodynamic stability) performed at Invitae indicates that this missense variant is not expected to disrupt BRCA2 protein function with a negative predictive value of 95%. In summary, the available evidence is currently insufficient to determine the role of this variant in disease. Therefore, it has been classified as a Variant of Uncertain Significance.

Ambry Genetics
Classification: Uncertain significance for Hereditary cancer-predisposing syndrome. Last evaluated: 2023-10-16. Review status: criteria provided, single submitter. Criteria: Ambry Variant Classification Scheme 2023. Collection method: clinical testing. Allele origin: germline.
Comment: The p.D988G variant (also known as c.2963A>G), located in coding exon 10 of the BRCA2 gene, results from an A to G substitution at nucleotide position 2963. The aspartic acid at codon 988 is replaced by glycine, an amino acid with similar properties. This amino acid position is not well conserved in available vertebrate species. In addition, this alteration is predicted to be tolerated by in silico analysis. Since supporting evidence is limited at this time, the clinical significance of this alteration remains unclear.

University of Washington Department of Laboratory Medicine, University of Washington
Classification: Likely benign for Hereditary cancer-predisposing syndrome. Last evaluated: 2023-03-23. Review status: criteria provided, single submitter. Criteria: Dines et al. (Genet Med. 2020). Collection method: curation. Allele origin: germline.
Comment: Missense variant in a coldspot region where missense variants are very unlikely to be pathogenic (PMID:31911673).

BRCA2 exon 11 coldspot. Reclassification based on statistical prior probability.

GeneDx
Classification: Uncertain significance. Last evaluated: 2015-07-30. Review status: criteria provided, single submitter. Criteria: GeneDx Variant Classification (06012015). Collection method: clinical testing. Allele origin: germline. Affected: yes.
Comment: This variant is denoted BRCA2 c.2963A>G at the cDNA level, p.Asp988Gly (D988G) at the protein level, and results in the change of an Aspartic Acid to a Glycine (GAT>GGT). Using alternate nomenclature, this variant would be defined as BRCA2 3191A>G. This variant has not, to our knowledge, been published in the literature as pathogenic or benign. BRCA2 Asp988Gly was not observed in approximately 6,500 individuals of European and African American ancestry in the NHLBI Exome Sequencing Project, indicating it is not a common benign variant in these populations. Since Aspartic Acid and Glycine differ in polarity, charge, size or other properties, this is considered a non-conservative amino acid substitution. BRCA2 Asp988Gly occurs at a position that is not conserved and is located in the region of interaction with NPM1 (UniProt). In silico analyses predict that this variant is unlikely to alter protein structure or function. Based on currently available information, it is unclear whether BRCA2 Asp988Gly is pathogenic or benign. We consider it to be a variant of uncertain significance.